The following is an entry in ClinVar:

NM_000368.5(TSC1):c.164A>G (p.Gln55Arg)

Gene: TSC1 (TSC complex subunit 1; minus strand). Cytogenetic location: 9q34.13.
Variant type: single nucleotide variant.
Coding change: c.164A>G on transcript NM_000368.5 (MANE Select); coding-DNA position 164, A replaced by G.
Protein change: p.Gln55Arg; replaces glutamine 55 with arginine.
Molecular consequence: missense variant. On other transcripts: 5 prime UTR variant (9), non-coding transcript variant (4), intron variant (9).
Genome position (GRCh38, 1-based): chr9:132,927,247, T>C on the plus strand (A>G on the coding strand, the complement: TSC1 is on the minus strand). VCF-style: chr9-132927247-T-C. GRCh37 (hg19) VCF-style: chr9-135802634-T-C.
Other names: c.164A>G, p.Gln55Arg (NM_001162426.2, NM_001162427.2, NM_001406592.1 and 21 more transcripts); c.-325A>G (NM_001406615.1, NM_001406623.1); c.-292A>G (NM_001406616.1, NM_001406624.1); c.-714A>G (NM_001406626.1, NM_001406627.1, NM_001406628.1); c.-856A>G (NM_001406629.1); c.-930A>G (NM_001406630.1); c.-153-1508A>G (NM_001406620.1, NM_001406618.1, NM_001406625.1 and 5 more transcripts); c.-245-1508A>G (NM_001406614.1); short protein forms Q55R.
Identifiers: ClinVar variation 3717860 (VCV003717860.2).
Genomic context (GRCh38, chr9:132,927,247, plus strand): 5'-ATTTCAGCCATTACCTTGTCATGTGGCTCTTGCAAGGTGGTCAGGATGTGCAATGCCGGC[T>C]GAGAGCTGGTTTCCAGGTAATAATCCACCAAGGTGTTTACAAGCATAGGGCCACGGTCTA-3'
Protein context (NP_000359.1, residues 45-65): LVDYYLETSS[Gln55Arg]PALHILTTLQ

ClinVar aggregate classification (germline): Uncertain significance (1 of 4 stars; one submission).

Conditions:
Tuberous sclerosis 1 (TSC1). Identifiers: Orphanet 805, MedGen C1854465, MONDO:0008612, OMIM 191100.

Submission:

Labcorp Genetics (formerly Invitae), Labcorp
Classification: Uncertain significance for Tuberous sclerosis 1. Last evaluated: 2024-09-18. Review status: criteria provided, single submitter. Criteria: Invitae Variant Classification Sherloc (09022015). Collection method: clinical testing. Allele origin: germline.
Comment: This sequence change replaces glutamine, which is neutral and polar, with arginine, which is basic and polar, at codon 55 of the TSC1 protein (p.Gln55Arg). This variant is not present in population databases (gnomAD no frequency). This variant has not been reported in the literature in individuals affected with TSC1-related conditions. Invitae Evidence Modeling of protein sequence and biophysical properties (such as structural, functional, and spatial information, amino acid conservation, physicochemical variation, residue mobility, and thermodynamic stability) indicates that this missense variant is not expected to disrupt TSC1 protein function with a negative predictive value of 95%. In summary, the available evidence is currently insufficient to determine the role of this variant in disease. Therefore, it has been classified as a Variant of Uncertain Significance.